The following is an entry in ClinVar:

NM_001042492.3(NF1):c.7032T>C (p.Thr2344=)

Gene: NF1 (neurofibromin 1; plus strand). Cytogenetic location: 17q11.2.
Variant type: single nucleotide variant.
Coding change: c.7032T>C on transcript NM_001042492.3 (MANE Select); coding-DNA position 7032, T replaced by C.
Protein change: p.Thr2344=; no amino-acid change (threonine 2344 retained).
Molecular consequence: synonymous variant.
Genome position (GRCh38, 1-based): chr17:31,340,615, T>C. VCF-style: chr17-31340615-T-C. GRCh37 (hg19) VCF-style: chr17-29667633-T-C.
Other names: c.6969T>C, p.Thr2323= (NM_000267.4).
Identifiers: ClinVar variation 527604 (VCV000527604.17), dbSNP rs1201730858, ClinGen allele CA499235415.

ClinVar aggregate classification (germline): Benign/Likely benign. Review status: criteria provided, multiple submitters, no conflicts (2 of 4 stars). 5 submissions from 5 submitters: Benign (1); Likely benign (4). Last evaluated 2026-09-23.

Conditions:
Cardiovascular phenotype. Identifiers: MedGen CN230736.
Hereditary cancer-predisposing syndrome. Also called: Tumor predisposition; Neoplastic Syndromes, Hereditary; Hereditary Cancer Syndrome; Hereditary neoplastic syndrome. Identifiers: Orphanet 140162, MedGen C0027672, MeSH D009386, MONDO:0015356.
Neurofibromatosis, type 1 (NF1). Also called: NEUROFIBROMATOSIS, TYPE I, SOMATIC; Peripheral type neurofibromatosis; VON RECKLINGHAUSEN DISEASE; Neurofibromatosis, type I. Identifiers: Orphanet 636, MedGen C0027831, MONDO:0018975, OMIM 162200. Disease mechanism: loss of function.

Allele frequency attached by ClinVar (database versions not stated): gnomAD exomes below 0.00001 and 0.00001.
gnomAD v4.1: 2 of 1,614,124 alleles (0.00012%); highest among the groups gnomAD compares: Admixed American, 0.0033%; no homozygotes.

Submissions (5):

Myriad Genetics, Inc.
Classification: Benign for Neurofibromatosis, type 1. Last evaluated: 2026-09-23. Review status: criteria provided, single submitter. Criteria: Myriad Autosomal Dominant, Autosomal Recessive and X-Linked Classification Criteria (2023). Collection method: clinical testing. Allele origin: unknown.
Comment: This variant is considered benign. This variant is a silent/synonymous amino acid change and it is not expected to impact splicing.

Labcorp Genetics (formerly Invitae), Labcorp
Classification: Likely benign for Neurofibromatosis, type 1. Last evaluated: 2026-02-01. Review status: criteria provided, single submitter. Criteria: Invitae Variant Classification Sherloc (09022015). Collection method: clinical testing. Allele origin: germline.

Genome-Nilou Lab
Classification: Likely benign for Neurofibromatosis, type 1. Last evaluated: 2022-03-15. Review status: criteria provided, single submitter. Criteria: ACMG Guidelines, 2015. Collection method: clinical testing. Allele origin: germline. Affected: no.

Sema4
Classification: Likely benign for Hereditary cancer-predisposing syndrome. Last evaluated: 2021-10-28. Review status: criteria provided, single submitter. Criteria: Sema4 Curation Guidelines. Collection method: curation. Allele origin: germline.

Ambry Genetics
Classification: Likely benign for Cardiovascular phenotype; Hereditary cancer-predisposing syndrome. Last evaluated: 2016-12-29. Review status: criteria provided, single submitter. Criteria: Ambry Variant Classification Scheme 2023. Collection method: clinical testing. Allele origin: germline.